The following is an entry in ClinVar:

ClinVar aggregate classification (germline): Uncertain significance (1 of 4 stars; one submission).

Conditions:
Emery-Dreifuss muscular dystrophy 5, autosomal dominant (EDMD5). Also called: EMERY-DREIFUSS MUSCULAR DYSTROPHY 5. Identifiers: Orphanet 261, MedGen C2751805, MONDO:0013072, OMIM 612999.

Allele frequency attached by ClinVar (database versions not stated): gnomAD exomes 0.00001 and 0.00003; ExAC 0.00004; gnomAD 0.00006 and 0.00007; TOPMed 0.00006.

Submission:

Labcorp Genetics (formerly Invitae), Labcorp
Classification: Uncertain significance for Emery-Dreifuss muscular dystrophy 5, autosomal dominant. Last evaluated: 2025-10-03. Review status: criteria provided, single submitter. Criteria: Invitae Variant Classification Sherloc (09022015). Collection method: clinical testing. Allele origin: germline.
Comment: This variant, c.7457_7459del, is a complex sequence change that results in the deletion of 2 and insertion of 1 amino acid(s) in the SYNE2 protein (p.Thr2486_Gly2487delinsArg). This variant is present in population databases (rs775671986, gnomAD 0.03%). This variant has not been reported in the literature in individuals affected with SYNE2-related conditions. ClinVar contains an entry for this variant (Variation ID: 1508209). Experimental studies and prediction algorithms are not available or were not evaluated, and the functional significance of this variant is currently unknown. In summary, the available evidence is currently insufficient to determine the role of this variant in disease. Therefore, it has been classified as a Variant of Uncertain Significance.

NM_182914.3(SYNE2):c.7457_7459del (p.Thr2486_Gly2487delinsArg)

Gene: SYNE2 (spectrin repeat containing nuclear envelope protein 2; plus strand). Cytogenetic location: 14q23.2.
Variant type: Deletion.
Coding change: c.7457_7459del on transcript NM_182914.3 (MANE Select); coding-DNA positions 7457 to 7459, 3 bases deleted (CTG; older notation c.7457_7459delCTG).
Protein change: p.Thr2486_Gly2487delinsArg.
Molecular consequence: inframe indel.
Genome position (GRCh38, 1-based): chr14:64,049,690-64,049,692, CTG deleted. VCF-style (leftmost placement, unchanged base first): chr14-64049689-ACTG-A. GRCh37 (hg19) VCF-style: chr14-64516407-ACTG-A.
Other names: c.7457_7459del, p.Thr2486_Gly2487delinsArg (NM_015180.6).
Identifiers: ClinVar variation 1508209 (VCV001508209.6), dbSNP rs775671986, ClinGen allele CA7220935.
Genomic context (GRCh38, chr14:64,049,689, plus strand): 5'-GAAGCAAAGAAAGCAGCCATTAAGCCACTGGAACAAACAGAATGTCTTAACAAAACAGAA[ACTG>A]GGGCCTTGGTTCTCCACAATATAGGATATTCGGCACAGCATTTGGACAATTTGCTTCAGG-3'